The following is an entry in ClinVar:

NM_005477.3(HCN4):c.1657G>A (p.Asp553Asn)

Gene: HCN4 (hyperpolarization activated cyclic nucleotide gated potassium channel 4; minus strand). Cytogenetic location: 15q24.1.
Variant type: single nucleotide variant.
Coding change: c.1657G>A on transcript NM_005477.3 (MANE Select); coding-DNA position 1657, G replaced by A.
Protein change: p.Asp553Asn; replaces aspartic acid 553 with asparagine.
Molecular consequence: missense variant.
Genome position (GRCh38, 1-based): chr15:73,325,378, C>T on the plus strand (G>A on the coding strand, the complement: HCN4 is on the minus strand). VCF-style: chr15-73325378-C-T. GRCh37 (hg19) VCF-style: chr15-73617719-C-T.
Other names: short protein forms D553N.
Identifiers: ClinVar variation 5175 (VCV000005175.13), dbSNP rs104894485, ClinGen allele CA117311.

ClinVar aggregate classification (germline): Uncertain significance. Review status: criteria provided, multiple submitters, no conflicts (2 of 4 stars). 5 submissions from 5 submitters: Uncertain significance (4). 1 of the submissions does not count toward it. Last evaluated 2026-08-27.

Conditions:
Cardiovascular phenotype. Identifiers: MedGen CN230736.
Sick sinus syndrome 2, autosomal dominant (SSS2). Also called: SICK SINUS SYNDROME 2; SICK SINUS SYNDROME 2 WITH OR WITHOUT CARDIAC NONCOMPACTION AND/OR ASCENDING AORTA DILATION; SINUS BRADYCARDIA SYNDROME, FAMILIAL, AUTOSOMAL DOMINANT; SINUS NODE DISEASE, FAMILIAL, AUTOSOMAL DOMINANT; ATRIAL FIBRILLATION WITH BRADYARRHYTHMIA. Identifiers: Orphanet 166282, MedGen C1834144, MONDO:0008102, OMIM 163800.
Brugada syndrome 8 (BRGDA8). Identifiers: Orphanet 130, MedGen C2751083, MONDO:0013148, OMIM 613123.

Allele frequency attached by ClinVar (database versions not stated): ExAC 0.00002; gnomAD exomes 0.00004 and 0.00003; 1000 Genomes Project 0.00020; gnomAD 0.00001; TOPMed 0.00001; 1000 Genomes Project 30x 0.00016.
gnomAD v4.1: 44 of 1,614,112 alleles (0.0027%); highest among the groups gnomAD compares: East Asian, 0.065%; no homozygotes.

Submissions (5):

Ambry Genetics
Classification: Uncertain significance for Cardiovascular phenotype. Last evaluated: 2026-08-27. Review status: criteria provided, single submitter. Criteria: Ambry Variant Classification Scheme 2023. Collection method: clinical testing. Allele origin: germline.
Comment: The p.D553N variant (also known as c.1657G>A), located in coding exon 5 of the HCN4 gene, results from a G to A substitution at nucleotide position 1657. The aspartic acid at codon 553 is replaced by asparagine, an amino acid with highly similar properties. This variant was reported in an individual with sinus node dysfunction who showed recurrent syncope, QT prolongation, and polymorphic ventricular tachycardia (Ueda K et al. J Biol Chem, 2004 Jun;279:27194-8). In multiple assays testing HCN4 function, this variant showed conflicting functional results (Ueda K et al. J Biol Chem, 2004 Jun;279:27194-8; Lin YC et al. J Biol Chem, 2009 Oct;284:30433-40; Netter MF et al. Cell Physiol Biochem, 2012 Oct;30:1227-40). This amino acid position is well conserved in available vertebrate species. In addition, the in silico prediction for this alteration is inconclusive. Based on the available evidence, the clinical significance of this variant remains unclear.

3billion
Classification: Uncertain significance for Brugada syndrome 8. Last evaluated: 2025-12-16. Review status: criteria provided, single submitter. Criteria: ACMG Guidelines, 2015. Collection method: clinical testing. Allele origin: germline. Affected: yes.
Comment: The variant is observed at an extremely low frequency in the gnomAD v4.1.0 dataset (total allele frequency: 0.003%). Predicted Consequence/Location: Missense variant Functional studies provide supporting evidence of the variant having a damaging effect on the gene or gene product (PMID: 15123648, 19748888, 23075627). In silico tool predictions suggest damaging effect of the variant on gene or gene product [REVEL: 0.72 (>=0.6, sensitivity 0.68 and specificity 0.92); 3Cnet: 0.90 (> 0.75, sensitivity 0.96 and precision 0.92)]. The same nucleotide change resulting in the same amino acid change has been previously reported to be associated with HCN4-related disorder (PMID: 15123648). However, the evidence of pathogenicity is insufficient at this time. Therefore, this variant is classified as VUS according to the recommendation of ACMG/AMP guideline.

Labcorp Genetics (formerly Invitae), Labcorp
Classification: Uncertain significance for Brugada syndrome 8. Last evaluated: 2025-05-11. Review status: criteria provided, single submitter. Criteria: Invitae Variant Classification Sherloc (09022015). Collection method: clinical testing. Allele origin: germline.
Comment: This sequence change replaces aspartic acid, which is acidic and polar, with asparagine, which is neutral and polar, at codon 553 of the HCN4 protein (p.Asp553Asn). This variant is present in population databases (rs104894485, gnomAD 0.01%). This missense change has been observed in individual(s) with bradycardia and/or prolonged QT interval (PMID: 15123648). ClinVar contains an entry for this variant (Variation ID: 5175). Invitae Evidence Modeling of protein sequence and biophysical properties (such as structural, functional, and spatial information, amino acid conservation, physicochemical variation, residue mobility, and thermodynamic stability) has been performed for this missense variant. However, the output from this modeling did not meet the statistical confidence thresholds required to predict the impact of this variant on HCN4 protein function. Experimental studies are conflicting or provide insufficient evidence to determine the effect of this variant on HCN4 function (PMID: 15123648, 19748888, 23075627). In summary, the available evidence is currently insufficient to determine the role of this variant in disease. Therefore, it has been classified as a Variant of Uncertain Significance.

Illumina Laboratory Services, Illumina
Classification: Uncertain significance for Sick sinus syndrome 2, autosomal dominant. Last evaluated: 2017-05-01. Review status: criteria provided, single submitter. Criteria: ICSL Variant Classification Criteria 13 December 2019. Collection method: clinical testing. Allele origin: germline.
Comment: This variant was observed as part of a predisposition screen in an ostensibly healthy population. A literature search was performed for the gene, cDNA change, and amino acid change (where applicable). Publications were found based on this search. However, the evidence from the literature, in combination with allele frequency data from public databases where available, was not sufficient to rule this variant in or out of causing disease. Therefore, this variant is classified as a variant of unknown significance.

OMIM
Classification: Pathogenic for SICK SINUS SYNDROME 2. Last evaluated: 2004-06-25. Review status: no assertion criteria provided. Collection method: literature only. Allele origin: germline. Not counted in ClinVar's aggregate classification.

Literature cited by the submitters: PubMed 15123648 (cited by 5 submitters); PubMed 19748888 (cited by 4 submitters); PubMed 23075627 (cited by 4 submitters); PubMed 20662977 (cited by Illumina Laboratory Services, Illumina); PubMed 28350118 (cited by Illumina Laboratory Services, Illumina); PubMed 24569893 (cited by Illumina Laboratory Services, Illumina); PubMed 25642760 (cited by Illumina Laboratory Services, Illumina); PubMed 27553229 (cited by Illumina Laboratory Services, Illumina); PubMed 24492017 (cited by Illumina Laboratory Services, Illumina); PubMed 28204831 (cited by Illumina Laboratory Services, Illumina).